The following is an entry in ClinVar:

ClinVar aggregate classification (germline): Uncertain significance (1 of 4 stars; one submission).

Allele frequency attached by ClinVar (database versions not stated): TOPMed below 0.00001; ExAC 0.00001.
gnomAD v4.1: 15 of 1,612,922 alleles (0.00093%); highest among the groups gnomAD compares: Non-Finnish European, 0.00051%; no homozygotes.

Submission:

Labcorp Genetics (formerly Invitae), Labcorp
Classification: Uncertain significance. Last evaluated: 2022-04-13. Review status: criteria provided, single submitter. Criteria: Invitae Variant Classification Sherloc (09022015). Collection method: clinical testing. Allele origin: germline.
Comment: This sequence change replaces arginine, which is basic and polar, with proline, which is neutral and non-polar, at codon 1041 of the SKIV2L protein (p.Arg1041Pro). This variant is present in population databases (rs768797469, gnomAD 0.03%). This variant has not been reported in the literature in individuals affected with SKIV2L-related conditions. Algorithms developed to predict the effect of missense changes on protein structure and function (SIFT, PolyPhen-2, Align-GVGD) all suggest that this variant is likely to be tolerated. In summary, the available evidence is currently insufficient to determine the role of this variant in disease. Therefore, it has been classified as a Variant of Uncertain Significance.

NM_006929.5(SKIC2):c.3122G>C (p.Arg1041Pro)

Gene: SKIC2 (SKI2 subunit of superkiller complex; plus strand). Cytogenetic location: 6p21.33.
Variant type: single nucleotide variant.
Coding change: c.3122G>C on transcript NM_006929.5 (MANE Select); coding-DNA position 3122, G replaced by C.
Protein change: p.Arg1041Pro; replaces arginine 1041 with proline.
Molecular consequence: missense variant.
Genome position (GRCh38, 1-based): chr6:31,968,738, G>C. VCF-style: chr6-31968738-G-C. GRCh37 (hg19) VCF-style: chr6-31936515-G-C.
Other names: short protein forms R1041P.
Identifiers: ClinVar variation 1947690 (VCV001947690.2), dbSNP rs768797469, ClinGen allele CA3729978.
Genomic context (GRCh38, chr6:31,968,738, plus strand): 5'-CTCTGCAGTACCTGAAGCTGCGGGAGCGAATGCAGATACAGAAGGAGATGGAGCGGCTGC[G>C]CTTCCTACTGTCGGATCAGTCATTGCTGCTGCTTCCTGAGTACCATCAGCGAGTAGAGGT-3'
Protein context (NP_008860.4, residues 1031-1051): MQIQKEMERL[Arg1041Pro]FLLSDQSLLL